The following is an entry in ClinVar:

NM_052854.4(CREB3L1):c.596-8C>T

Gene: CREB3L1 (cAMP responsive element binding protein 3 like 1; plus strand). Cytogenetic location: 11p11.2.
Variant type: single nucleotide variant.
Coding change: c.596-8C>T on transcript NM_052854.4 (MANE Select); 8 bases into the intron before coding-DNA position 596, C replaced by T.
Molecular consequence: intron variant.
Genome position (GRCh38, 1-based): chr11:46,311,024, C>T. VCF-style: chr11-46311024-C-T. GRCh37 (hg19) VCF-style: chr11-46332575-C-T.
Identifiers: ClinVar variation 1964308 (VCV001964308.5), dbSNP rs376419401, ClinGen allele CA221597825.

ClinVar aggregate classification (germline): Conflicting classifications of pathogenicity. Review status: criteria provided, conflicting classifications (1 of 4 stars). 2 submissions from 2 submitters: Uncertain significance (1); Likely benign (1). Last evaluated 2024-11-04.

Allele frequency attached by ClinVar (database versions not stated): TOPMed 0.00001; gnomAD 0.00003; ESP Exome Variant Server 0.00008.
gnomAD v4.1: 57 of 1,575,654 alleles (0.0036%); highest among the groups gnomAD compares: Non-Finnish European, 0.0045%; no homozygotes.

Submissions (2):

Women's Health and Genetics/Laboratory Corporation of America, LabCorp
Classification: Uncertain significance. Last evaluated: 2024-11-04. Review status: criteria provided, single submitter. Criteria: LabCorp Variant Classification Summary - May 2015. Collection method: clinical testing. Allele origin: germline.
Comment: Variant summary: CREB3L1 c.596-8C>T alters a nucleotide located close to a canonical splice site and therefore could affect mRNA splicing, leading to a significantly altered protein sequence. Consensus agreement among computation tools predict no significant impact on normal splicing. However, these predictions have yet to be confirmed by functional studies. The frequency data for this variant in gnomAD is considered unreliable, as metrics indicate poor data quality at this position. To our knowledge, no occurrence of c.596-8C>T in individuals affected with Osteogenesis Imperfecta Type 16 and no experimental evidence demonstrating its impact on protein function have been reported. ClinVar contains an entry for this variant (Variation ID: 1964308). Based on the evidence outlined above, the variant was classified as uncertain significance.

Labcorp Genetics (formerly Invitae), Labcorp
Classification: Likely benign. Last evaluated: 2024-10-24. Review status: criteria provided, single submitter. Criteria: Invitae Variant Classification Sherloc (09022015). Collection method: clinical testing. Allele origin: germline.